The following is an entry in ClinVar:

NC_000022.11:g.(?_28689129)_(28696993_?)del

Gene: CHEK2 (checkpoint kinase 2; minus strand). Cytogenetic location: 22q12.1.
Variant type: Deletion.
Identifiers: ClinVar variation 460671 (VCV000460671.2).

ClinVar aggregate classification (germline): Likely pathogenic (1 of 4 stars; one submission).

Conditions:
Familial cancer of breast. Also called: BREAST CANCER, FAMILIAL; hereditary breast carcinoma; Hereditary breast cancer. Identifiers: Orphanet 227535, MedGen C0346153, MONDO:0016419, OMIM 114480. Disease mechanism: loss of function.

Submission:

Labcorp Genetics (formerly Invitae), Labcorp
Classification: Likely pathogenic for Familial cancer of breast. Last evaluated: 2017-11-29. Review status: criteria provided, single submitter. Criteria: Invitae Variant Classification Sherloc (09022015). Collection method: clinical testing. Allele origin: germline.
Comment: This variant is a gross deletion of the genomic region encompassing exons 10-14 of the CHEK2 gene. This leads to an in-frame deletion, preserving the integrity of the reading frame. This gross deletion has not been reported in the literature in individuals with a CHEK2-related disease. This in-frame deletion (p.Tyr337_Gln514del) removes approximately 57% of the CHEK2 kinase domain (residues 226-486), including 3 critical trans-autophosphorylation sites (Thr383, Thr387, Ser456), which are required for CHEK2 activation and function (PMID: 18004398, 11733767, 12805407, 16794575). While experimental studies are not available for this particular deletion, in vitro studies in yeast of a missense change (p.Ser428Phe) within the deleted region demonstrated a failure to complement Rad53, largely abrogating normal CHEK2 function (PMID: 15649950, 22419737). This suggests that this deletion may also be deleterious to protein function. In summary, this variant is a novel in-frame deletion that removes a region of CHEK2 important for proper activation and function. This evidence indicates that the variant is pathogenic, but additional data is needed to prove that conclusively. Therefore, this variant has been classified as Likely Pathogenic.

Literature cited by the submitters: PubMed 12805407; PubMed 11733767; PubMed 22419737; PubMed 16794575; PubMed 15649950; PubMed 18004398.